The following is an entry in ClinVar:

NM_003907.3(EIF2B5):c.195+2T>G

Gene: EIF2B5 (eukaryotic translation initiation factor 2B subunit epsilon; plus strand). Cytogenetic location: 3q27.1.
Variant type: single nucleotide variant.
Coding change: c.195+2T>G on transcript NM_003907.3 (MANE Select); the canonical splice donor site of the intron after coding-DNA position 195, T replaced by G.
Molecular consequence: splice donor variant.
Genome position (GRCh38, 1-based): chr3:184,135,582, T>G. VCF-style: chr3-184135582-T-G. GRCh37 (hg19) VCF-style: chr3-183853370-T-G.
Identifiers: ClinVar variation 3643899 (VCV003643899.2).

ClinVar aggregate classification (germline): Likely pathogenic (1 of 4 stars; one submission).

Submission:

Labcorp Genetics (formerly Invitae), Labcorp
Classification: Likely pathogenic. Last evaluated: 2024-03-01. Review status: criteria provided, single submitter. Criteria: Invitae Variant Classification Sherloc (09022015). Collection method: clinical testing. Allele origin: germline.
Comment: This sequence change affects a donor splice site in intron 1 of the EIF2B5 gene. It is expected to disrupt RNA splicing. Variants that disrupt the donor or acceptor splice site typically lead to a loss of protein function (PMID: 16199547), and loss-of-function variants in EIF2B5 are known to be pathogenic (PMID: 11704758, 15060152, 21307862). This variant is not present in population databases (gnomAD no frequency). This variant has not been reported in the literature in individuals affected with EIF2B5-related conditions. Algorithms developed to predict the effect of sequence changes on RNA splicing suggest that this variant may disrupt the consensus splice site. In summary, the currently available evidence indicates that the variant is pathogenic, but additional data are needed to prove that conclusively. Therefore, this variant has been classified as Likely Pathogenic.

Literature cited by the submitters: PubMed 16199547; PubMed 11704758; PubMed 15060152; PubMed 21307862.